The following is an entry in ClinVar:

ClinVar aggregate classification (germline): Conflicting classifications of pathogenicity. Review status: criteria provided, conflicting classifications (1 of 4 stars). 2 submissions from 2 submitters: Uncertain significance (1); Likely benign (1). Last evaluated 2025-11-17.

Conditions:
Dilated cardiomyopathy 1HH (CMD1HH). Identifiers: Orphanet 154, MedGen C3151293, MONDO:0013479, OMIM 613881.
Myofibrillar myopathy 6. Identifiers: Orphanet 199340, MedGen C2751831, MONDO:0013061, OMIM 612954.

Allele frequency attached by ClinVar (database versions not stated): gnomAD exomes 0.00001.
gnomAD v4.1: 16 of 1,614,234 alleles (0.00099%); highest among the groups gnomAD compares: Non-Finnish European, 0.0014%; no homozygotes.

Submissions (2):

Labcorp Genetics (formerly Invitae), Labcorp
Classification: Uncertain significance for Dilated cardiomyopathy 1HH; Myofibrillar myopathy 6. Last evaluated: 2025-11-17. Review status: criteria provided, single submitter. Criteria: Invitae Variant Classification Sherloc (09022015). Collection method: clinical testing. Allele origin: germline.
Comment: This sequence change replaces tyrosine, which is neutral and polar, with histidine, which is basic and polar, at codon 114 of the BAG3 protein (p.Tyr114His). This variant is not present in population databases (gnomAD no frequency). This variant has not been reported in the literature in individuals affected with BAG3-related conditions. ClinVar contains an entry for this variant (Variation ID: 646045). Invitae Evidence Modeling of protein sequence and biophysical properties (such as structural, functional, and spatial information, amino acid conservation, physicochemical variation, residue mobility, and thermodynamic stability) indicates that this missense variant is not expected to disrupt BAG3 protein function with a negative predictive value of 80%. In summary, the available evidence is currently insufficient to determine the role of this variant in disease. Therefore, it has been classified as a Variant of Uncertain Significance.

Blueprint Genetics
Classification: Likely benign. Last evaluated: 2023-07-05. Review status: criteria provided, single submitter. Criteria: ACMG Guidelines, 2015. Collection method: clinical testing. Allele origin: germline.

NM_004281.4(BAG3):c.340T>C (p.Tyr114His)

Gene: BAG3 (BAG cochaperone 3; plus strand). Cytogenetic location: 10q26.11.
Variant type: single nucleotide variant.
Coding change: c.340T>C on transcript NM_004281.4 (MANE Select); coding-DNA position 340, T replaced by C.
Protein change: p.Tyr114His; replaces tyrosine 114 with histidine.
Molecular consequence: missense variant.
Genome position (GRCh38, 1-based): chr10:119,670,010, T>C. VCF-style: chr10-119670010-T-C. GRCh37 (hg19) VCF-style: chr10-121429522-T-C.
Other names: short protein forms Y114H.
Identifiers: ClinVar variation 646045 (VCV000646045.9), dbSNP rs1589628873, ClinGen allele CA378294894.